The following is an entry in ClinVar:

ClinVar aggregate classification (germline): Uncertain significance (1 of 4 stars; one submission).

Conditions:
Hereditary breast ovarian cancer syndrome. Also called: Hereditary breast and ovarian cancer syndrome; Breast and ovarian cancer; BRCA1- and BRCA2-Associated Hereditary Breast and Ovarian Cancer; Hereditary breast and ovarian cancer; Hereditary breast and/or ovarian cancer syndrome; Hereditary breast and ovarian cancer syndrome (HBOC). Identifiers: Orphanet 145, MedGen C0677776, MeSH D061325, MONDO:0003582. Disease mechanism: loss of function.

Submission:

Labcorp Genetics (formerly Invitae), Labcorp
Classification: Uncertain significance for Hereditary breast ovarian cancer syndrome. Last evaluated: 2019-03-13. Review status: criteria provided, single submitter. Criteria: Invitae Variant Classification Sherloc (09022015). Collection method: clinical testing. Allele origin: germline.
Comment: In summary, the available evidence is currently insufficient to determine the role of this variant in disease. Therefore, it has been classified as a Variant of Uncertain Significance. This sequence change replaces glutamic acid with glycine at codon 1527 of the BRCA1 protein (p.Glu1527Gly). The glutamic acid residue is moderately conserved and there is a moderate physicochemical difference between glutamic acid and glycine. This variant is not present in population databases (ExAC no frequency). This variant has not been reported in the literature in individuals with BRCA1-related conditions. Algorithms developed to predict the effect of missense changes on protein structure and function output the following: SIFT: "Deleterious"; PolyPhen-2: "Benign"; Align-GVGD: "Class C0". The glycine amino acid residue is found in multiple mammalian species, suggesting that this missense change does not adversely affect protein function. These predictions have not been confirmed by published functional studies and their clinical significance is uncertain.

NM_007294.4(BRCA1):c.4580A>G (p.Glu1527Gly)

Gene: BRCA1 (BRCA1 DNA repair associated; minus strand). Cytogenetic location: 17q21.31.
Variant type: single nucleotide variant.
Coding change: c.4580A>G on transcript NM_007294.4 (MANE Select); coding-DNA position 4580, A replaced by G.
Protein change: p.Glu1527Gly; replaces glutamic acid 1527 with glycine.
Molecular consequence: missense variant. On other transcripts: non-coding transcript variant (1).
Genome position (GRCh38, 1-based): chr17:43,074,426, T>C on the plus strand (A>G on the coding strand, the complement: BRCA1 is on the minus strand). VCF-style: chr17-43074426-T-C. GRCh37 (hg19) VCF-style: chr17-41226443-T-C.
Other names: c.4367A>G, p.Glu1456Gly (NM_001407571.1, NM_001407894.1, NM_001407895.1 and 12 more transcripts); c.4646A>G, p.Glu1549Gly (NM_001407581.1, NM_001407582.1); c.4643A>G, p.Glu1548Gly (NM_001407583.1, NM_001407585.1, NM_001407587.1 and 1 more transcripts); c.4640A>G, p.Glu1547Gly (NM_001407590.1, NM_001407591.1); c.4580A>G, p.Glu1527Gly (NM_001407593.1, NM_001407594.1, NM_001407596.1 and 8 more transcripts); c.4577A>G, p.Glu1526Gly (NM_001407610.1, NM_001407611.1, NM_001407612.1 and 17 more transcripts); c.4574A>G, p.Glu1525Gly (NM_001407627.1, NM_001407628.1, NM_001407629.1 and 14 more transcripts); c.4571A>G, p.Glu1524Gly (NM_001407644.1, NM_001407645.1); and 68 more; short protein forms E1480G, E1548G, E1527G, E423G, E1358G, E1438G, E1479G, E1483G.
Identifiers: ClinVar variation 835355 (VCV000835355.11), dbSNP rs1473461169, ClinGen allele CA10592353.
Genomic context (GRCh38, chr17:43,074,426, plus strand): 5'-AAATCGTGTGGCCCAGACTCTTCCAGCTGTTGCTCCTCCACATCAACAACCTTAATGAGC[T>C]CCTCTTGAGATGGGTAGTTTCTATTCTGAAGACTCCCAGAGCAACTGTGCATGTACCACC-3'
Protein context (NP_009225.1, residues 1517-1537): LQNRNYPSQE[Glu1527Gly]LIKVVDVEEQ